The following is an entry in ClinVar:

ClinVar aggregate classification (germline): Conflicting classifications of pathogenicity. Review status: criteria provided, conflicting classifications (1 of 4 stars). 4 submissions from 4 submitters: Uncertain significance (3); Likely benign (1). Last evaluated 2026-06-29.

Conditions:
TTN-related disorder. Also called: TTN-related disorders; TTN-related condition; TTN-related disease.

Allele frequency attached by ClinVar (database versions not stated): gnomAD 0.00001 and 0.00002; gnomAD exomes 0.00002; ESP Exome Variant Server 0.00008; TOPMed 0.00002; ExAC 0.00003.
gnomAD v4.1: 35 of 1,613,434 alleles (0.0022%); highest among the groups gnomAD compares: Middle Eastern, 0.016%; no homozygotes.

Submissions (4):

PreventionGenetics, part of Exact Sciences
Classification: Uncertain significance for TTN-related condition. Last evaluated: 2026-06-29. Review status: criteria provided, single submitter. Criteria: ACMG Guidelines, 2015. Collection method: clinical testing. Allele origin: germline.
Comment: The TTN c.16157T>C variant is predicted to result in the amino acid substitution p.Met5386Thr. This variant has been reported in an individual with dilated cardiomyopathy (Table S7, Mazzarotto et al. 2020. PubMed ID: 31983221). This variant is reported in 0.0045% of alleles in individuals of European (Non-Finnish) descent in gnomAD. At this time, the clinical significance of this variant is uncertain due to the absence of conclusive functional and genetic evidence.

Revvity Omics, Revvity
Classification: Uncertain significance. Last evaluated: 2021-03-13. Review status: criteria provided, single submitter. Criteria: ACMG Guidelines, 2015. Collection method: clinical testing. Allele origin: germline.

GeneDx
Classification: Likely benign. Last evaluated: 2020-07-22. Review status: criteria provided, single submitter. Criteria: GeneDx Variant Classification Process June 2021. Collection method: clinical testing. Allele origin: germline. Affected: yes.

Laboratory for Molecular Medicine, Mass General Brigham Personalized Medicine
Classification: Uncertain significance. Last evaluated: 2015-05-14. Review status: criteria provided, single submitter. Criteria: LMM Criteria. Collection method: clinical testing. Allele origin: germline. Observed: 1 variant allele.
Comment: The p.Met4142Thr variant in TTN has not been previously reported in individuals with cardiomyopathy, but has been identified in 3/66312 European chromosomes by the Exome Aggregation Consortium (ExAC; dbSNP rs 375417155). Computational prediction tools and conservation analysis do not prov ide strong support for or against an impact to the protein. In summary, the clin ical significance of the p.Met4142Thr variant is uncertain.

NM_001267550.2(TTN):c.16157T>C (p.Met5386Thr)

Gene: TTN (titin; minus strand). Cytogenetic location: 2q31.2.
Variant type: single nucleotide variant.
Coding change: c.16157T>C on transcript NM_001267550.2 (MANE Select); coding-DNA position 16157, T replaced by C.
Protein change: p.Met5386Thr; replaces methionine 5386 with threonine.
Molecular consequence: missense variant. On other transcripts: intron variant (3).
Genome position (GRCh38, 1-based): chr2:178,733,019, A>G on the plus strand (T>C on the coding strand, the complement: TTN is on the minus strand). VCF-style: chr2-178733019-A-G. GRCh37 (hg19) VCF-style: chr2-179597746-A-G.
Other names: p.M4142T:ATG>ACG; c.15206T>C, p.Met5069Thr (NM_001256850.1); c.12425T>C, p.Met4142Thr (NM_133378.4); c.13282+5063T>C (NM_003319.4); c.13858+5063T>C (NM_133437.4); c.13657+5063T>C (NM_133432.3); short protein forms M4142T, M5386T, M5069T.
Identifiers: ClinVar variation 202349 (VCV000202349.12), dbSNP rs375417155, ClinGen allele CA309171.